The following is an entry in ClinVar:

ClinVar aggregate classification (germline): Uncertain significance. Review status: criteria provided, multiple submitters, no conflicts (2 of 4 stars). 2 submissions from 2 submitters: Uncertain significance (2). Last evaluated 2023-07-27.

Conditions:
Hereditary cancer-predisposing syndrome. Also called: Tumor predisposition; Neoplastic Syndromes, Hereditary; Hereditary neoplastic syndrome; Hereditary Cancer Syndrome. Identifiers: Orphanet 140162, MedGen C0027672, MeSH D009386, MONDO:0015356.
Ataxia-telangiectasia syndrome (AT). Also called: Ataxia-telangiectasia, complementation group D; AT, COMPLEMENTATION GROUP C; ATAXIA-TELANGIECTASIA, COMPLEMENTATION GROUP A; ATAXIA-TELANGIECTASIA, FRESNO VARIANT; Ataxia-telangiectasia; Ataxia telangiectasia (A-T). Identifiers: Orphanet 100, MedGen C0004135, MONDO:0008840, OMIM 208900.

Allele frequency attached by ClinVar (database versions not stated): gnomAD exomes below 0.00001; ExAC 0.00001.
gnomAD v4.1: 1 of 1,614,024 alleles (0.000062%); highest among the groups gnomAD compares: South Asian, 0.0011%; no homozygotes.

Submissions (2):

Ambry Genetics
Classification: Uncertain significance for Hereditary cancer-predisposing syndrome. Last evaluated: 2023-07-27. Review status: criteria provided, single submitter. Criteria: Ambry Variant Classification Scheme 2023. Collection method: clinical testing. Allele origin: germline.
Comment: The p.V2152I variant (also known as c.6454G>A), located in coding exon 44 of the ATM gene, results from a G to A substitution at nucleotide position 6454. The valine at codon 2152 is replaced by isoleucine, an amino acid with highly similar properties. This amino acid position is conserved. In addition, this alteration is predicted to be tolerated by in silico analysis. Since supporting evidence is limited at this time, the clinical significance of this alteration remains unclear.

Labcorp Genetics (formerly Invitae), Labcorp
Classification: Uncertain significance for Ataxia-telangiectasia syndrome. Last evaluated: 2023-06-29. Review status: criteria provided, single submitter. Criteria: Invitae Variant Classification Sherloc (09022015). Collection method: clinical testing. Allele origin: germline.
Comment: This sequence change replaces valine, which is neutral and non-polar, with isoleucine, which is neutral and non-polar, at codon 2152 of the ATM protein (p.Val2152Ile). In summary, the available evidence is currently insufficient to determine the role of this variant in disease. Therefore, it has been classified as a Variant of Uncertain Significance. Algorithms developed to predict the effect of missense changes on protein structure and function output the following: SIFT: "Not Available"; PolyPhen-2: "Benign"; Align-GVGD: "Not Available". The isoleucine amino acid residue is found in multiple mammalian species, which suggests that this missense change does not adversely affect protein function. ClinVar contains an entry for this variant (Variation ID: 961011). This variant has not been reported in the literature in individuals affected with ATM-related conditions. This variant is present in population databases (rs753158040, gnomAD 0.003%).

NM_000051.4(ATM):c.6454G>A (p.Val2152Ile)

Genes: ATM (ATM serine/threonine kinase; plus strand), C11orf65 (chromosome 11 open reading frame 65; minus strand). Cytogenetic location: 11q22.3.
Variant type: single nucleotide variant.
Coding change: c.6454G>A on transcript NM_000051.4 (MANE Select); coding-DNA position 6454, G replaced by A.
Protein change: p.Val2152Ile; replaces valine 2152 with isoleucine.
Molecular consequence: missense variant. On other transcripts: intron variant (2).
Genome position (GRCh38, 1-based): chr11:108,321,302, G>A. VCF-style: chr11-108321302-G-A. GRCh37 (hg19) VCF-style: chr11-108192029-G-A.
Other names: c.6454G>A, p.Val2152Ile (NM_001351834.2); c.641-12231C>T (NM_001330368.2); c.*39-12231C>T (NM_001351110.2); short protein forms V2152I.
Identifiers: ClinVar variation 961011 (VCV000961011.10), dbSNP rs753158040, ClinGen allele CA6265953.
Genomic context (GRCh38, chr11:108,321,302, plus strand): 5'-TTTATTTCCCTGAAAACCTCTTCTTTATTTTCAGAGTGTCTTTTCTTTTTTGCTACTAGA[G>A]TAAAAGAAGTGGAAGAGATGTGTAAGCGCAGCCTTGAGTCTGTGTATTCGCTCTATCCCA-3'
Protein context (NP_000042.3, residues 2142-2162): TFYESLKYAR[Val2152Ile]KEVEEMCKRS